The following is an entry in ClinVar:

ClinVar aggregate classification (germline): Uncertain significance (1 of 4 stars; one submission).

Submission:

Labcorp Genetics (formerly Invitae), Labcorp
Classification: Uncertain significance. Last evaluated: 2021-06-12. Review status: criteria provided, single submitter. Criteria: Invitae Variant Classification Sherloc (09022015). Collection method: clinical testing. Allele origin: germline.
Comment: This variant has not been reported in the literature in individuals with MMP14-related conditions. In summary, the available evidence is currently insufficient to determine the role of this variant in disease. Therefore, it has been classified as a Variant of Uncertain Significance. Algorithms developed to predict the effect of missense changes on protein structure and function are either unavailable or do not agree on the potential impact of this missense change (SIFT: "Deleterious"; PolyPhen-2: "Possibly Damaging"; Align-GVGD: "Class C0"). The frequency data for this variant in the population databases is considered unreliable, as metrics indicate insufficient coverage at this position in the ExAC database. This sequence change replaces arginine with glycine at codon 570 of the MMP14 protein (p.Arg570Gly). The arginine residue is moderately conserved and there is a moderate physicochemical difference between arginine and glycine.

NM_004995.4(MMP14):c.1708C>G (p.Arg570Gly)

Gene: MMP14 (matrix metallopeptidase 14; plus strand). Cytogenetic location: 14q11.2.
Variant type: single nucleotide variant.
Coding change: c.1708C>G on transcript NM_004995.4 (MANE Select); coding-DNA position 1708, C replaced by G.
Protein change: p.Arg570Gly; replaces arginine 570 with glycine.
Molecular consequence: missense variant.
Genome position (GRCh38, 1-based): chr14:22,845,998, C>G. VCF-style: chr14-22845998-C-G. GRCh37 (hg19) VCF-style: chr14-23315207-C-G.
Other names: short protein forms R570G.
Identifiers: ClinVar variation 1471653 (VCV001471653.8), dbSNP rs1487836053, ClinGen allele CA388935494.